The following is an entry in ClinVar:

NM_001330260.2(SCN8A):c.4840A>G (p.Thr1614Ala)

Gene: SCN8A (sodium voltage-gated channel alpha subunit 8; plus strand). Cytogenetic location: 12q13.13.
Variant type: single nucleotide variant.
Coding change: c.4840A>G on transcript NM_001330260.2 (MANE Select); coding-DNA position 4840, A replaced by G.
Protein change: p.Thr1614Ala; replaces threonine 1614 with alanine.
Molecular consequence: missense variant.
Genome position (GRCh38, 1-based): chr12:51,806,326, A>G. VCF-style: chr12-51806326-A-G. GRCh37 (hg19) VCF-style: chr12-52200110-A-G.
Other names: c.4717A>G, p.Thr1573Ala (NM_001177984.3, NM_001369788.1); c.4840A>G, p.Thr1614Ala (NM_014191.4); short protein forms T1614A, T1573A.
Identifiers: ClinVar variation 444293 (VCV000444293.50), dbSNP rs1555230909, ClinGen allele CA384880355.
Genomic context (GRCh38, chr12:51,806,326, plus strand): 5'-CTATTCCTCTTCTTAGGAATGTTCCTGGCAGATATAATTGAGAAATACTTTGTTTCCCCA[A>G]CCCTATTCCGAGTCATCCGATTGGCCCGTATTGGGCGCATCTTGCGTCTGATCAAAGGCG-3'
Protein context (NP_001317189.1, residues 1604-1624): DIIEKYFVSP[Thr1614Ala]LFRVIRLARI

ClinVar aggregate classification (germline): Conflicting classifications of pathogenicity. Review status: criteria provided, conflicting classifications (1 of 4 stars). 2 submissions from 2 submitters: Pathogenic (1); Uncertain significance (1). Last evaluated 2025-08-21.

Conditions:
Early-infantile DEE. Also called: Early infantile epileptic encephalopathy with suppression bursts; Ohtahara syndrome; Early infantile epileptic encephalopathy. Identifiers: Orphanet 1934, MedGen C0393706, MONDO:0800491.

Submissions (2):

Labcorp Genetics (formerly Invitae), Labcorp
Classification: Pathogenic for Early-infantile DEE. Last evaluated: 2025-08-21. Review status: criteria provided, single submitter. Criteria: Invitae Variant Classification Sherloc (09022015). Collection method: clinical testing. Allele origin: germline.
Comment: This sequence change replaces threonine, which is neutral and polar, with alanine, which is neutral and non-polar, at codon 1614 of the SCN8A protein (p.Thr1614Ala). This variant is not present in population databases (gnomAD no frequency). This missense change has been observed in individual(s) with SCN8A-related conditions (PMID: 30968951; internal data). In at least one individual the variant was observed to be de novo. ClinVar contains an entry for this variant (Variation ID: 444293). Invitae Evidence Modeling of protein sequence and biophysical properties (such as structural, functional, and spatial information, amino acid conservation, physicochemical variation, residue mobility, and thermodynamic stability) indicates that this missense variant is expected to disrupt SCN8A protein function with a positive predictive value of 95%. Algorithms developed to predict the effect of sequence changes on RNA splicing suggest that this variant may disrupt the consensus splice site. For these reasons, this variant has been classified as Pathogenic.

CeGaT Center for Human Genetics Tuebingen
Classification: Uncertain significance. Last evaluated: 2017-05-01. Review status: criteria provided, single submitter. Criteria: CeGaT Center For Human Genetics Tuebingen Variant Classification Criteria Version 2. Collection method: clinical testing. Allele origin: germline. Affected: yes. Observed: 1 variant allele.

Literature cited by the submitters: PubMed 30968951 (cited by Labcorp Genetics (formerly Invitae), Labcorp).